The following is an entry in ClinVar:

ClinVar aggregate classification (germline): Pathogenic (1 of 4 stars; one submission).

Conditions:
Rare genetic deafness. Identifiers: Orphanet 96210, MedGen C5680250.

Submission:

Laboratory for Molecular Medicine, Mass General Brigham Personalized Medicine
Classification: Pathogenic for Rare genetic deafness. Last evaluated: 2013-08-14. Review status: criteria provided, single submitter. Criteria: LMM Criteria. Collection method: clinical testing. Allele origin: germline. Inheritance: Autosomal dominant inheritance. Observed: 1 variant allele.
Comment: The Ala154fs in KCNQ4 has not been reported in individuals with hearing loss or in large population studies. This frameshift variant is predicted to alter the p rotein?s amino acid sequence beginning at position 154 and lead to a premature t ermination codon 85 amino acids downstream. This alteration is then predicted to lead to a truncated or absent protein. In summary, this variant meets our crite ria to be classified as pathogenic. It should be noted that truncating mutations in the KCNQ4 gene are believed to cause dominan t late-onset hearing loss affecting high frequencies more predominantly (Nie 200 8).

Literature cited by the submitters: PubMed 18797286.

NM_004700.4(KCNQ4):c.459del (p.Ala154fs)

Gene: KCNQ4 (potassium voltage-gated channel subfamily Q member 4; plus strand). Cytogenetic location: 1p34.2.
Variant type: Deletion.
Coding change: c.459del on transcript NM_004700.4 (MANE Select); coding-DNA position 459, one base deleted (C; older notation c.459delC).
Protein change: p.Ala154fs; shifts the reading frame from alanine 154.
Molecular consequence: frameshift variant.
Genome position (GRCh38, 1-based): chr1:40,818,217, C deleted; the last of 2 consecutive C bases (chr1:40,818,216-40,818,217); deleting either gives the same sequence. VCF-style (leftmost placement, unchanged base first): chr1-40818215-TC-T. GRCh37 (hg19) VCF-style: chr1-41283887-TC-T.
Other names: c.459del, p.Ala154fs (NM_172163.3); short protein forms A154fs.
Identifiers: ClinVar variation 179111 (VCV000179111.4), dbSNP rs727504635, ClinGen allele CA273581.